The following is an entry in ClinVar:

Conditions:
Long QT syndrome 5 (LQT5). Identifiers: Orphanet 101016, Orphanet 768, MedGen C1867904, MONDO:0013372, OMIM 613695.

Submission:

Roden Lab, Vanderbilt University Medical Center
No classification provided (evidence only). Condition: Long QT syndrome 5. Review status: no classification provided. Collection method: in vitro. Allele origin: not applicable. Functional consequence: Effect on ion channel function.
ClinVar note: "not provided" was previously submitted as the classification for the variant. However, the classification appeared to be based only on an observation of functional data so it was converted to no classification on 2025-07-30.

NM_000219.6(KCNE1):c.33C>G (p.Pro11=)

Gene: KCNE1 (potassium voltage-gated channel subfamily E regulatory subunit 1; minus strand). Cytogenetic location: 21q22.12.
Variant type: single nucleotide variant.
Coding change: c.33C>G on transcript NM_000219.6 (MANE Select); coding-DNA position 33, C replaced by G.
Protein change: p.Pro11=; no amino-acid change (proline 11 retained).
Molecular consequence: synonymous variant.
Genome position (GRCh38, 1-based): chr21:34,449,602, G>C on the plus strand (C>G on the coding strand, the complement: KCNE1 is on the minus strand). VCF-style: chr21-34449602-G-C. GRCh37 (hg19) VCF-style: chr21-35821900-G-C.
Other names: c.33C>G, p.Pro11= (NM_001127668.4, NM_001127669.4, NM_001127670.4 and 4 more transcripts).
Identifiers: ClinVar variation 3374673 (VCV003374673.2).
Genomic context (GRCh38, chr21:34,449,602, plus strand): 5'-GGCCAGGCCCGACATGTTGCCACCCTGCTGAACTGTCTCCTGCCACAGCTTGGTCAGAAA[G>C]GGCGTCACCGCTGTGGTGTTAGACAGGATCATCCTGGGCATTAAGGTTCCACTGCTGCAG-3'
Protein context (NP_000210.2, residues 1-21): MILSNTTAVT[Pro11=]FLTKLWQETV